The following is an entry in ClinVar:

ClinVar aggregate classification (germline): Uncertain significance (1 of 4 stars; one submission).

Conditions:
Myoclonic dystonia 11 (DYT11). Also called: Myoclonic dystonia; Dystonia 11; Dystonia, alcohol responsive; Hereditary essential myoclonus; SGCE Myoclonus-Dystonia; Myoclonus-Dystonia. Identifiers: Orphanet 36899, MedGen C1834570, MONDO:0008044, OMIM 159900.

Submission:

Labcorp Genetics (formerly Invitae), Labcorp
Classification: Uncertain significance for Myoclonic dystonia 11. Last evaluated: 2025-06-19. Review status: criteria provided, single submitter. Criteria: Invitae Variant Classification Sherloc (09022015). Collection method: clinical testing. Allele origin: germline.
Comment: This sequence change replaces isoleucine, which is neutral and non-polar, with serine, which is neutral and polar, at codon 128 of the SGCE protein (p.Ile128Ser). This variant is not present in population databases (gnomAD no frequency). This variant has not been reported in the literature in individuals affected with SGCE-related conditions. Invitae Evidence Modeling of protein sequence and biophysical properties (such as structural, functional, and spatial information, amino acid conservation, physicochemical variation, residue mobility, and thermodynamic stability) indicates that this missense variant is not expected to disrupt SGCE protein function with a negative predictive value of 80%. In summary, the available evidence is currently insufficient to determine the role of this variant in disease. Therefore, it has been classified as a Variant of Uncertain Significance.

NM_003919.3(SGCE):c.383T>G (p.Ile128Ser)

Genes: CASD1 (CAS1 domain sialic acid O acetyltransferase 1; plus strand), SGCE (sarcoglycan epsilon; minus strand). Cytogenetic location: 7q21.3.
Variant type: single nucleotide variant.
Coding change: c.383T>G on transcript NM_003919.3 (MANE Select); coding-DNA position 383, T replaced by G.
Protein change: p.Ile128Ser; replaces isoleucine 128 with serine.
Molecular consequence: missense variant.
Genome position (GRCh38, 1-based): chr7:94,628,209, A>C on the plus strand (T>G on the coding strand, the complement: SGCE is on the minus strand). VCF-style: chr7-94628209-A-C. GRCh37 (hg19) VCF-style: chr7-94257521-A-C.
Other names: c.383T>G, p.Ile128Ser (NM_001099400.2, NM_001099401.2, NM_001346717.2); c.260T>G, p.Ile87Ser (NM_001301139.2, NM_001362809.2); c.491T>G, p.Ile164Ser (NM_001346713.2, NM_001346715.2); c.296T>G, p.Ile99Ser (NM_001346719.2, NM_001362807.2); c.110T>G, p.Ile37Ser (NM_001346720.2, NM_001362808.2); short protein forms I164S, I37S, I87S, I99S, I128S.
Identifiers: ClinVar variation 4707140 (VCV004707140.1).